The following is an entry in ClinVar:

NM_001277115.2(DNAH11):c.8866C>T (p.His2956Tyr)

Gene: DNAH11 (dynein axonemal heavy chain 11; plus strand). Cytogenetic location: 7p15.3.
Variant type: single nucleotide variant.
Coding change: c.8866C>T on transcript NM_001277115.2 (MANE Select); coding-DNA position 8866, C replaced by T.
Protein change: p.His2956Tyr; replaces histidine 2956 with tyrosine.
Molecular consequence: missense variant.
Genome position (GRCh38, 1-based): chr7:21,750,290, C>T. VCF-style: chr7-21750290-C-T. GRCh37 (hg19) VCF-style: chr7-21789908-C-T.
Other names: c.8887C>T, p.His2963Tyr (NM_003777.3); short protein forms H2963Y, H2956Y.
Identifiers: ClinVar variation 1764933 (VCV001764933.2), dbSNP rs2535137235, ClinGen allele CA366956265.

ClinVar aggregate classification (germline): Uncertain significance (1 of 4 stars; one submission).

Conditions:
Primary ciliary dyskinesia. Also called: Ciliary dyskinesia. Identifiers: Orphanet 244, MedGen C0008780, MONDO:0016575, HP:0012265.

Allele frequency attached by ClinVar (database versions not stated): gnomAD exomes below 0.00001.
gnomAD v4.1: 1 of 1,604,734 alleles (0.000062%); highest among the groups gnomAD compares: Admixed American, 0.0017%; no homozygotes.

Submission:

Ambry Genetics
Classification: Uncertain significance for Primary ciliary dyskinesia. Last evaluated: 2015-11-02. Review status: criteria provided, single submitter. Criteria: Ambry Variant Classification Scheme 2023. Collection method: clinical testing. Allele origin: germline.
Comment: The p.H2956Y variant (also known as c.8866C>T), located in coding exon 54 of the DNAH11 gene, results from a C to T substitution at nucleotide position 8866. The histidine at codon 2956 is replaced by tyrosine, an amino acid with similar properties. This variant was not reported in population based cohorts in the following databases: Database of Single Nucleotide Polymorphisms (dbSNP), NHLBI Exome Sequencing Project (ESP), and 1000 Genomes Project. In the ESP, this variant was not observed in 5977 samples (11954 alleles) with coverage at this position. This amino acid position is poorly conserved in available vertebrate species. In addition, this alteration is predicted to be deleterious by SIFT in silico analysis. Since supporting evidence is limited at this time, the clinical significance of this variant remains unclear.